The following is an entry in ClinVar:

NM_000214.3(JAG1):c.236T>A (p.Leu79His)

Gene: JAG1 (jagged canonical Notch ligand 1; minus strand). Cytogenetic location: 20p12.2.
Variant type: single nucleotide variant.
Coding change: c.236T>A on transcript NM_000214.3 (MANE Select); coding-DNA position 236, T replaced by A.
Protein change: p.Leu79His; replaces leucine 79 with histidine.
Molecular consequence: missense variant.
Genome position (GRCh38, 1-based): chr20:10,672,852, A>T on the plus strand (T>A on the coding strand, the complement: JAG1 is on the minus strand). VCF-style: chr20-10672852-A-T. GRCh37 (hg19) VCF-style: chr20-10653500-A-T.
Other names: short protein forms L79H.
Identifiers: ClinVar variation 3573430 (VCV003573430.2).

Conditions:
Arteriohepatic dysplasia. Also called: Alagille Syndrome. Identifiers: Orphanet 52, MedGen C0085280, MeSH D016738, MONDO:0007318.

Submission:

Gilbert/Spinner Lab, Children's Hospital of Philadelphia
No classification provided (evidence only). Condition: Alagille syndrome. Review status: no classification provided. Collection method: research. Allele origin: not applicable. Functional consequence: functionally_abnormal.
ClinVar note: "not provided" was previously submitted as the classification for the variant. However, the classification appeared to be based only on an observation of functional data so it was converted to no classification on 2025-07-30.